The following is an entry in ClinVar:

NM_001256715.2(DNAAF3):c.1055del (p.Pro352fs)

Genes: DNAAF3 (dynein axonemal assembly factor 3; minus strand), DNAAF3-AS1 (DNAAF3 antisense RNA 1; plus strand). Cytogenetic location: 19q13.42.
Variant type: Deletion.
Coding change: c.1055del on transcript NM_001256715.2 (MANE Select); coding-DNA position 1055, one base deleted (C; older notation c.1055delC).
Protein change: p.Pro352fs; shifts the reading frame from proline 352.
Molecular consequence: frameshift variant.
Genome position (GRCh38, 1-based): chr19:55,160,007, G deleted on the plus strand (C on the coding strand, the reverse complement: DNAAF3 is on the minus strand); the first of 4 consecutive G bases (chr19:55,160,007-55,160,010); deleting any one gives the same sequence. VCF-style (leftmost placement, unchanged base first): chr19-55160006-CG-C. GRCh37 (hg19) VCF-style: chr19-55671374-CG-C.
Other names: p.Pro352Argfs*56; c.1256del, p.Pro419fs (NM_001256714.1); c.893del, p.Pro298fs (NM_001256716.2); c.1196del, p.Pro399fs (NM_178837.4); c.1055delC (NM_001256715.2); short protein forms P352fs, P399fs, P298fs, P419fs.
Identifiers: ClinVar variation 4795792 (VCV004795792.1).

ClinVar aggregate classification (germline): Likely pathogenic (1 of 4 stars; one submission).

Conditions:
Kartagener syndrome (CILD1). Also called: SIEWERT SYNDROME; CILIARY DYSKINESIA, PRIMARY, 1; CILIARY DYSKINESIA, PRIMARY, 1, WITH OR WITHOUT SITUS INVERSUS; IMMOTILE CILIA SYNDROME; POLYNESIAN BRONCHIECTASIS; Dextrocardia bronchiectasis and sinusitis. Identifiers: Orphanet 244, MedGen C4551906, MONDO:0009484, OMIM 244400.

Submission:

Coskunpinar Laboratory, Saglik Bilimleri University, Hamidiye School of Medicine
Classification: Likely pathogenic for Kartagener syndrome. Last evaluated: 2026-02-02. Review status: criteria provided, single submitter. Criteria: ACMG Guidelines, 2015. Collection method: research. Allele origin: germline. Affected: yes. Observed: 1 variant allele, 1 homozygote.
Comment: Novel frameshift variant in an established primary ciliary dyskinesia disease gene (OMIM:244400), predicted to result in loss of function. Classification is consistent with Qiagen Clinical Insight Interpret assessment which implements ACMG/AMP variant interpretation guidelines.